The following is an entry in ClinVar:

ClinVar aggregate classification (germline): Likely pathogenic (1 of 4 stars; one submission).

Conditions:
Phenylketonuria (PKU). Also called: FOLLING DISEASE; OLIGOPHRENIA PHENYLPYRUVICA; Phenylketonurias; Phenylketonuria (PKU). Identifiers: Orphanet 716, MedGen C0031485, MONDO:0009861, OMIM 261600. Disease mechanism: loss of function.

Submission:

Natera, Inc.
Classification: Likely pathogenic for Phenylketonuria. Last evaluated: 2025-05-29. Review status: criteria provided, single submitter. Criteria: Natera Variant Classification Schema (03/2026). Collection method: clinical testing. Allele origin: germline.
Comment: The c.838G>T variant in PAH is a nonsense variant predicted to introduce a stop codon at amino acid 280. This variant is expected to result in nonsense mediated decay, truncation, or a dysfunctional protein product. This variant is rare in the general population with a frequency below the threshold expected for the associated phenotype(s). Given the available evidence, this variant is classified as Likely Pathogenic.

NM_000277.3(PAH):c.838G>T (p.Glu280Ter)

Gene: PAH (phenylalanine hydroxylase; minus strand). Cytogenetic location: 12q23.2.
Variant type: single nucleotide variant.
Coding change: c.838G>T on transcript NM_000277.3 (MANE Select); coding-DNA position 838, G replaced by T.
Protein change: p.Glu280Ter; replaces glutamic acid 280 with a stop codon.
Molecular consequence: nonsense.
Genome position (GRCh38, 1-based): chr12:102,852,819, C>A on the plus strand (G>T on the coding strand, the complement: PAH is on the minus strand). VCF-style: chr12-102852819-C-A. GRCh37 (hg19) VCF-style: chr12-103246597-C-A.
Other names: c.838G>T, p.Glu280Ter (NM_001354304.2); short protein forms E280*.
Identifiers: ClinVar variation 4059218 (VCV004059218.2).